The following is an entry in ClinVar:

NM_004329.3(BMPR1A):c.676-11T>C

Gene: BMPR1A (bone morphogenetic protein receptor type 1A; plus strand). Cytogenetic location: 10q23.2.
Variant type: single nucleotide variant.
Coding change: c.676-11T>C on transcript NM_004329.3 (MANE Select); 11 bases into the intron before coding-DNA position 676, T replaced by C.
Molecular consequence: intron variant.
Genome position (GRCh38, 1-based): chr10:86,917,123, T>C. VCF-style: chr10-86917123-T-C. GRCh37 (hg19) VCF-style: chr10-88676880-T-C.
Identifiers: ClinVar variation 1561306 (VCV001561306.9), dbSNP rs2133574280, ClinGen allele CA2573145694.

ClinVar aggregate classification (germline): Likely benign. Review status: criteria provided, multiple submitters, no conflicts (2 of 4 stars). 2 submissions from 2 submitters: Likely benign (2). Last evaluated 2024-08-02.

Conditions:
Juvenile polyposis syndrome (JPS). Identifiers: Orphanet 2929, MedGen C0345893, MONDO:0017380, OMIM 174900.

Submissions (2):

Myriad Genetics, Inc.
Classification: Likely benign for Juvenile polyposis syndrome. Last evaluated: 2024-08-02. Review status: criteria provided, single submitter. Criteria: Myriad Autosomal Dominant, Autosomal Recessive and X-Linked Classification Criteria (2023). Collection method: clinical testing. Allele origin: unknown.
Comment: This variant is considered likely benign. This variant is intronic and is not expected to impact mRNA splicing.

Labcorp Genetics (formerly Invitae), Labcorp
Classification: Likely benign for Juvenile polyposis syndrome. Last evaluated: 2021-06-03. Review status: criteria provided, single submitter. Criteria: Invitae Variant Classification Sherloc (09022015). Collection method: clinical testing. Allele origin: germline.